The following is an entry in ClinVar:

NM_194277.3(FRMD7):c.1814C>T (p.Ser605Leu)

Gene: FRMD7 (FERM domain containing 7; minus strand). Cytogenetic location: Xq26.2.
Variant type: single nucleotide variant.
Coding change: c.1814C>T on transcript NM_194277.3 (MANE Select); coding-DNA position 1814, C replaced by T.
Protein change: p.Ser605Leu; replaces serine 605 with leucine.
Molecular consequence: missense variant.
Genome position (GRCh38, 1-based): chrX:132,078,203, G>A on the plus strand (C>T on the coding strand, the complement: FRMD7 is on the minus strand). VCF-style: chrX-132078203-G-A. GRCh37 (hg19) VCF-style: chrX-131212231-G-A.
Other names: c.1769C>T, p.Ser590Leu (NM_001306193.2); short protein forms S590L, S605L.
Identifiers: ClinVar variation 1491139 (VCV001491139.7), dbSNP rs903939499, ClinGen allele CA335857474.

ClinVar aggregate classification (germline): Uncertain significance. Review status: criteria provided, multiple submitters, no conflicts (2 of 4 stars). 2 submissions from 2 submitters: Uncertain significance (2). Last evaluated 2024-08-05.

Allele frequency attached by ClinVar (database versions not stated): gnomAD 0.00002; TOPMed 0.00005.
gnomAD v4.1: 2 of 1,209,974 alleles (0.00017%); highest among the groups gnomAD compares: African/African-American, 0.0035%; no homozygotes.

Submissions (2):

Labcorp Genetics (formerly Invitae), Labcorp
Classification: Uncertain significance. Last evaluated: 2024-08-05. Review status: criteria provided, single submitter. Criteria: Invitae Variant Classification Sherloc (09022015). Collection method: clinical testing. Allele origin: germline.
Comment: This sequence change replaces serine, which is neutral and polar, with leucine, which is neutral and non-polar, at codon 605 of the FRMD7 protein (p.Ser605Leu). This variant is not present in population databases (gnomAD no frequency). This variant has not been reported in the literature in individuals affected with FRMD7-related conditions. ClinVar contains an entry for this variant (Variation ID: 1491139). An algorithm developed to predict the effect of missense changes on protein structure and function (PolyPhen-2) suggests that this variant is likely to be disruptive. In summary, the available evidence is currently insufficient to determine the role of this variant in disease. Therefore, it has been classified as a Variant of Uncertain Significance.

Blueprint Genetics
Classification: Uncertain significance. Last evaluated: 2022-11-02. Review status: criteria provided, single submitter. Criteria: ACMG Guidelines, 2015. Collection method: clinical testing. Allele origin: germline.